The following is an entry in ClinVar:

ClinVar aggregate classification (germline): Pathogenic. Review status: reviewed by expert panel (3 of 4 stars). 2 submissions from 2 submitters: Pathogenic (1). 1 of the submissions does not count toward it. Last evaluated 2016-10-18.

Conditions:
Breast-ovarian cancer, familial, susceptibility to, 1 (BROVCA1). Also called: OVARIAN CANCER, SUSCEPTIBILITY TO; BRCA1 Hereditary Breast and Ovarian Cancer. Identifiers: Orphanet 145, MedGen C2676676, MONDO:0011450, OMIM 604370. Disease mechanism: loss of function.

Submissions (2):

Evidence-based Network for the Interpretation of Germline Mutant Alleles (ENIGMA)
Classification: Pathogenic for Breast-ovarian cancer, familial, susceptibility to, 1. Last evaluated: 2016-10-18. Review status: reviewed by expert panel. Criteria: ENIGMA BRCA1/2 Classification Criteria (2015). Collection method: curation. Allele origin: germline.
Comment: Variant allele predicted to encode a truncated non-functional protein.

Consortium of Investigators of Modifiers of BRCA1/2 (CIMBA), c/o University of Cambridge
Classification: Pathogenic for Breast-ovarian cancer, familial, susceptibility to, 1. Last evaluated: 2015-10-02. Review status: criteria provided, single submitter. Criteria: CIMBA Mutation Classification guidelines May 2016. Collection method: clinical testing. Allele origin: germline. Not counted in ClinVar's aggregate classification.

NM_007294.4(BRCA1):c.2155A>T (p.Lys719Ter)

Gene: BRCA1 (BRCA1 DNA repair associated; minus strand). Cytogenetic location: 17q21.31.
Variant type: single nucleotide variant.
Coding change: c.2155A>T on transcript NM_007294.4 (MANE Select); coding-DNA position 2155, A replaced by T.
Protein change: p.Lys719Ter; replaces lysine 719 with a stop codon.
Molecular consequence: nonsense. On other transcripts: intron variant (137).
Genome position (GRCh38, 1-based): chr17:43,093,376, T>A on the plus strand (A>T on the coding strand, the complement: BRCA1 is on the minus strand). VCF-style: chr17-43093376-T-A. GRCh37 (hg19) VCF-style: chr17-41245393-T-A.
Other names: 2274A>T; c.784+1368A>T (NM_001407992.1, NM_001408400.1, NM_001408392.1 and 13 more transcripts); c.664+1368A>T (NM_001408440.1, NM_001408428.1, NM_001408441.1 and 12 more transcripts); c.671-2344A>T (NM_001408418.1, NM_001408423.1, NM_001408420.1 and 2 more transcripts); c.787+1368A>T (NM_001407981.1, NM_007298.4, NM_001407978.1 and 17 more transcripts); c.643+1368A>T (NM_001408462.1, NM_001408470.1, NM_001408464.1 and 3 more transcripts); c.709+1368A>T (NM_001408414.1, NM_001408411.1, NM_001408415.1 and 2 more transcripts); c.577+1368A>T (NM_001408514.1, NM_001408485.1, NM_001408483.1 and 9 more transcripts); and 42 more; short protein forms K719*, K672*, K423*, K592*, K649*, K692*, K631*, K678*.
Identifiers: ClinVar variation 54476 (VCV000054476.6), dbSNP rs80357147, ClinGen allele CA001443.